The following is an entry in ClinVar:

ClinVar aggregate classification (germline): Uncertain significance. Review status: criteria provided, multiple submitters, no conflicts (2 of 4 stars). 2 submissions from 2 submitters: Uncertain significance (2). Last evaluated 2025-12-19.

Allele frequency attached by ClinVar (database versions not stated): ExAC 0.00001; gnomAD 0.00001 and 0.00002; gnomAD exomes 0.00002 and 0.00003; TOPMed 0.00005.
gnomAD v4.1: 24 of 1,207,834 alleles (0.002%); highest among the groups gnomAD compares: Non-Finnish European, 0.0025%; no homozygotes.

Submissions (2):

Labcorp Genetics (formerly Invitae), Labcorp
Classification: Uncertain significance. Last evaluated: 2025-12-19. Review status: criteria provided, single submitter. Criteria: Invitae Variant Classification Sherloc (09022015). Collection method: clinical testing. Allele origin: germline.
Comment: This sequence change replaces lysine, which is basic and polar, with arginine, which is basic and polar, at codon 61 of the SMPX protein (p.Lys61Arg). This variant is present in population databases (rs201681071, gnomAD 0.004%). This missense change has been observed in individual(s) with hearing loss (PMID: 39161163). ClinVar contains an entry for this variant (Variation ID: 229261). An algorithm developed to predict the effect of missense changes on protein structure and function (PolyPhen-2) suggests that this variant is likely to be disruptive. In summary, the available evidence is currently insufficient to determine the role of this variant in disease. Therefore, it has been classified as a Variant of Uncertain Significance.

Laboratory for Molecular Medicine, Mass General Brigham Personalized Medicine
Classification: Uncertain significance. Last evaluated: 2016-01-23. Review status: criteria provided, single submitter. Criteria: LMM Criteria. Collection method: clinical testing. Allele origin: germline. Observed: 1 variant allele.
Comment: The p.Lys61Arg variant in SMPX has not been previously reported in individuals w ith hearing loss. This variant has been identified in 1/47913 European chromosom es by the Exome Aggregation Consortium, and the variant was reportedly in the he mizygous state (ExAC; dbSNP rs201681071). Comput ational prediction tools and conservation analyses suggest that the p.Lys61Arg v ariant may not impact the protein, though this information is not predictive eno ugh to rule out pathogenicity. In summary, the clinical significance of the p.Ly s61Arg variant is uncertain.

Literature cited by the submitters: PubMed 39161163 (cited by Labcorp Genetics (formerly Invitae), Labcorp).

NM_014332.3(SMPX):c.182A>G (p.Lys61Arg)

Gene: SMPX (small muscle protein X-linked; minus strand). Cytogenetic location: Xp22.12.
Variant type: single nucleotide variant.
Coding change: c.182A>G on transcript NM_014332.3 (MANE Select); coding-DNA position 182, A replaced by G.
Protein change: p.Lys61Arg; replaces lysine 61 with arginine.
Molecular consequence: missense variant. On other transcripts: non-coding transcript variant (1).
Genome position (GRCh38, 1-based): chrX:21,737,648, T>C on the plus strand (A>G on the coding strand, the complement: SMPX is on the minus strand). VCF-style: chrX-21737648-T-C. GRCh37 (hg19) VCF-style: chrX-21755766-T-C.
Other names: short protein forms K61R.
Identifiers: ClinVar variation 229261 (VCV000229261.12), dbSNP rs201681071, ClinGen allele CA10367204.